The following is an entry in ClinVar:

NM_001365536.1(SCN9A):c.3361C>T (p.Arg1121Trp)

Genes: SCN1A-AS1 (SCN1A and SCN9A antisense RNA 1; plus strand), SCN9A (sodium voltage-gated channel alpha subunit 9; minus strand). Cytogenetic location: 2q24.3.
Variant type: single nucleotide variant.
Coding change: c.3361C>T on transcript NM_001365536.1 (MANE Select); coding-DNA position 3361, C replaced by T.
Protein change: p.Arg1121Trp; replaces arginine 1121 with tryptophan.
Molecular consequence: missense variant. On other transcripts: non-coding transcript variant (1).
Genome position (GRCh38, 1-based): chr2:166,251,876, G>A on the plus strand (C>T on the coding strand, the complement: SCN9A is on the minus strand). VCF-style: chr2-166251876-G-A. GRCh37 (hg19) VCF-style: chr2-167108386-G-A.
Other names: c.3328C>T, p.Arg1110Trp (NM_002977.4); short protein forms R1110W, R1121W.
Identifiers: ClinVar variation 194839 (VCV000194839.60), dbSNP rs190664764, ClinGen allele CA201381.
Genomic context (GRCh38, chr2:166,251,876, plus strand): 5'-CTTCTTCTCCTTCTCCAGGCAAAGGGTTATCAACTGTGCTGCACTCTGAGGAGCTTGACC[G>A]GTTTAATCTCTAGAAAGGAATTCACCACCCCACCAGGTAGTTCATTTAGAGTTCATTCAA-3'
Protein context (NP_001352465.1, residues 1111-1131): DSEYSKVRLN[Arg1121Trp]SSSSECSTVD

ClinVar aggregate classification (germline): Benign/Likely benign. Review status: criteria provided, multiple submitters, no conflicts (2 of 4 stars). 7 submissions from 7 submitters: Benign (5); Likely benign (2). Last evaluated 2026-08-01.

Conditions:
Neuropathy, hereditary sensory and autonomic, type 2A (HSAN2A). Also called: MORVAN DISEASE; NEUROPATHY, CONGENITAL SENSORY; NEUROPATHY, HEREDITARY SENSORY RADICULAR, AUTOSOMAL RECESSIVE; NEUROPATHY, HEREDITARY SENSORY, TYPE IIA; NEUROPATHY, PROGRESSIVE SENSORY, OF CHILDREN; HSAN IIA. Identifiers: Orphanet 970, MedGen C2752089, MONDO:0024309, OMIM 201300.
Generalized epilepsy with febrile seizures plus, type 7 (GEFSP7). Also called: GEFS+, TYPE 7. Identifiers: Orphanet 36387, MedGen C2751778, MONDO:0013470, OMIM 613863.

Allele frequency attached by ClinVar (database versions not stated): TOPMed 0.00038; 1000 Genomes Project 30x 0.00047; 1000 Genomes Project 0.00060; ESP Exome Variant Server 0.00067; gnomAD exomes 0.00187 and 0.00350; gnomAD 0.00285 and 0.00304; ExAC 0.00324.
gnomAD v4.1: 3,134 of 1,612,016 alleles (0.19%); highest among the groups gnomAD compares: Non-Finnish European, 0.084%; 33 homozygotes.

Submissions (7):

CeGaT Center for Human Genetics Tuebingen
Classification: Benign. Last evaluated: 2026-08-01. Review status: criteria provided, single submitter. Criteria: CeGaT Center For Human Genetics Tuebingen Variant Classification Criteria Version 2. Collection method: clinical testing. Allele origin: germline. Affected: yes. Observed: 4 variant alleles.
Comment: SCN9A: BS1, BS2

Labcorp Genetics (formerly Invitae), Labcorp
Classification: Benign for Neuropathy, hereditary sensory and autonomic, type 2A; Generalized epilepsy with febrile seizures plus, type 7. Last evaluated: 2026-02-03. Review status: criteria provided, single submitter. Criteria: Invitae Variant Classification Sherloc (09022015). Collection method: clinical testing. Allele origin: germline.

ARUP Laboratories, Molecular Genetics and Genomics, ARUP Laboratories
Classification: Benign. Last evaluated: 2023-12-18. Review status: criteria provided, single submitter. Criteria: ARUP Molecular Germline Variant Investigation Process 2024. Collection method: clinical testing. Allele origin: germline.

Athena Diagnostics
Classification: Likely benign. Last evaluated: 2017-02-27. Review status: criteria provided, single submitter. Criteria: Athena Diagnostics Criteria. Collection method: clinical testing. Allele origin: germline.

GeneDx
Classification: Benign. Last evaluated: 2016-08-03. Review status: criteria provided, single submitter. Criteria: GeneDx Variant Classification (06012015). Collection method: clinical testing. Allele origin: germline. Affected: yes.
Comment: This variant is considered likely benign or benign based on one or more of the following criteria: it is a conservative change, it occurs at a poorly conserved position in the protein, it is predicted to be benign by multiple in silico algorithms, and/or has population frequency not consistent with disease.

Center for Pediatric Genomic Medicine, Children's Mercy Hospital and Clinics
Classification: Likely benign. Last evaluated: 2015-10-07. Review status: criteria provided, single submitter. Criteria: ACMG Guidelines, 2015. Collection method: clinical testing. Allele origin: germline.
ClinVar note: Converted during submission from Likely Benign to Likely benign.

Eurofins Ntd Llc (ga)
Classification: Benign. Last evaluated: 2014-12-02. Review status: criteria provided, single submitter. Criteria: EGL Classification Definitions 2015. Collection method: clinical testing. Allele origin: germline. Observed: 2 variant alleles, 2 heterozygotes.

Literature cited by the submitters: PubMed 27956748 (cited by Athena Diagnostics).